The following is an entry in ClinVar:

NM_006005.3(WFS1):c.292G>A (p.Gly98Arg)

Gene: WFS1 (wolframin ER transmembrane glycoprotein; plus strand). Cytogenetic location: 4p16.1.
Variant type: single nucleotide variant.
Coding change: c.292G>A on transcript NM_006005.3 (MANE Select); coding-DNA position 292, G replaced by A.
Protein change: p.Gly98Arg; replaces glycine 98 with arginine.
Molecular consequence: missense variant.
Genome position (GRCh38, 1-based): chr4:6,287,152, G>A. VCF-style: chr4-6287152-G-A. GRCh37 (hg19) VCF-style: chr4-6288879-G-A.
Other names: c.292G>A, p.Gly98Arg (NM_001145853.1); short protein forms G98R.
Identifiers: ClinVar variation 3695493 (VCV003695493.5).

ClinVar aggregate classification (germline): Uncertain significance. Review status: criteria provided, multiple submitters, no conflicts (2 of 4 stars). 3 submissions from 3 submitters: Uncertain significance (3). Last evaluated 2026-01-06.

Conditions:
WFS1-related disorder. Identifiers: MedGen CN379391, MONDO:0700293.
Cataract 41 (CTRCT41). Also called: CATARACT 41, CONGENITAL NUCLEAR TYPE. Identifiers: Orphanet 91492, Orphanet 98991, Orphanet 98992, Orphanet 98995, MedGen C3805412, MONDO:0007287, OMIM 116400.
Autosomal dominant nonsyndromic hearing loss 6 (LFSNHL). Also called: DEAFNESS, AUTOSOMAL DOMINANT 6; DEAFNESS, AUTOSOMAL DOMINANT 14; DEAFNESS, AUTOSOMAL DOMINANT 38; Autosomal dominant nonsyndromic deafness 6. Identifiers: Orphanet 90635, MedGen C1833021, MONDO:0010963, OMIM 600965.
Type 2 diabetes mellitus. Also called: Type II diabetes mellitus. Identifiers: MedGen C0011860, MeSH D003924, MONDO:0005148, OMIM 125853, HP:0005978.
Wolfram syndrome 1 (WFS1). Identifiers: Orphanet 3463, MedGen C4551693, MONDO:0009101, OMIM 222300.
Wolfram-like syndrome. Also called: HEARING LOSS, PROGRESSIVE, WITH OPTIC ATROPHY AND/OR IMPAIRED GLUCOSE REGULATION. Identifiers: Orphanet 411590, MedGen C3280358, MONDO:0013673, OMIM 614296.

Submissions (3):

PreventionGenetics, part of Exact Sciences
Classification: Uncertain significance for WFS1-related condition. Last evaluated: 2026-01-06. Review status: criteria provided, single submitter. Criteria: ACMG Guidelines, 2015. Collection method: clinical testing. Allele origin: germline.
Comment: The WFS1 c.292G>A variant is predicted to result in the amino acid substitution p.Gly98Arg. This variant has been reported in the heterozygous state in an individual with optic neuropathy (Charif et al. 2021. PubMed ID: 33841295). This variant is reported in 0.0075% of alleles in individuals of East Asian descent in gnomAD. At this time, the clinical significance of this variant is uncertain due to the absence of conclusive functional and genetic evidence.

Labcorp Genetics (formerly Invitae), Labcorp
Classification: Uncertain significance. Last evaluated: 2025-10-14. Review status: criteria provided, single submitter. Criteria: Invitae Variant Classification Sherloc (09022015). Collection method: clinical testing. Allele origin: germline.
Comment: This sequence change replaces glycine, which is neutral and non-polar, with arginine, which is basic and polar, at codon 98 of the WFS1 protein (p.Gly98Arg). The frequency data for this variant in the population databases is considered unreliable, as metrics indicate poor data quality at this position in the gnomAD database. This missense change has been observed in individual(s) with optic neuropathy (PMID: 33841295). ClinVar contains an entry for this variant (Variation ID: 3695493). Invitae Evidence Modeling of protein sequence and biophysical properties (such as structural, functional, and spatial information, amino acid conservation, physicochemical variation, residue mobility, and thermodynamic stability) indicates that this missense variant is not expected to disrupt WFS1 protein function with a negative predictive value of 80%. In summary, the available evidence is currently insufficient to determine the role of this variant in disease. Therefore, it has been classified as a Variant of Uncertain Significance.

Juno Genomics, Hangzhou Juno Genomics, Inc
Classification: Uncertain significance for Cataract 41; Type 2 diabetes mellitus; Autosomal dominant nonsyndromic hearing loss 6; Wolfram syndrome 1; Wolfram-like syndrome. Review status: criteria provided, single submitter. Criteria: ACMG Guidelines, 2015. Collection method: clinical testing. Allele origin: germline.
Comment: Absent from controls (or at extremely low frequency if recessive) in Genome Aggregation Database.;Multiple lines of computational evidence support a deleterious effect on the gene or gene product.

Literature cited by the submitters: PubMed 33841295 (cited by Labcorp Genetics (formerly Invitae), Labcorp).